The following is an entry in ClinVar:

NM_001025603.2(RFX5):c.1414_1415del (p.Lys472fs)

Gene: RFX5 (regulatory factor X5; minus strand). Cytogenetic location: 1q21.3.
Variant type: Deletion.
Coding change: c.1414_1415del on transcript NM_001025603.2 (MANE Select); coding-DNA positions 1414 to 1415, 2 bases deleted (AA; older notation c.1414_1415delAA).
Protein change: p.Lys472fs; shifts the reading frame from lysine 472.
Molecular consequence: frameshift variant.
Genome position (GRCh38, 1-based): chr1:151,342,622-151,342,623, TT deleted on the plus strand (AA on the coding strand, the reverse complement: RFX5 is on the minus strand); deleting any 2 consecutive bases within chr1:151,342,622-151,342,627 gives the same sequence; the c. name uses the placement nearest the transcript's 3' end. VCF-style (leftmost placement, unchanged base first): chr1-151342621-CTT-C. GRCh37 (hg19) VCF-style: chr1-151315097-CTT-C.
Other names: c.1414_1415del, p.Lys472fs (NM_000449.4, NM_001379412.1, NM_001379413.1 and 5 more transcripts); c.1294_1295del, p.Lys432fs (NM_001379419.1, NM_001379420.1); short protein forms K432fs, K472fs.
Identifiers: ClinVar variation 4697920 (VCV004697920.1).

ClinVar aggregate classification (germline): Pathogenic (1 of 4 stars; one submission).

Conditions:
MHC class II deficiency. Also called: BLS, TYPE II; Bare lymphocyte syndrome 2. Identifiers: Orphanet 572, MedGen C5447452, MONDO:0008855.

Submission:

Labcorp Genetics (formerly Invitae), Labcorp
Classification: Pathogenic for MHC class II deficiency. Last evaluated: 2025-05-31. Review status: criteria provided, single submitter. Criteria: Invitae Variant Classification Sherloc (09022015). Collection method: clinical testing. Allele origin: germline.
Comment: This sequence change creates a premature translational stop signal (p.Lys472Valfs*53) in the RFX5 gene. While this is not anticipated to result in nonsense mediated decay, it is expected to disrupt the last 145 amino acid(s) of the RFX5 protein. This variant is not present in population databases (gnomAD no frequency). This premature translational stop signal has been observed in individual(s) with primary immunodeficiency (PMID: 32135276). This variant is also known as 1413delAA (K472fsX52). This variant disrupts a region of the RFX5 protein in which other variant(s) (p.Ser571Glnfs*22) have been determined to be pathogenic (internal data). This suggests that this is a clinically significant region of the protein, and that variants that disrupt it are likely to be disease-causing. For these reasons, this variant has been classified as Pathogenic.

Literature cited by the submitters: PubMed 32135276.